The following is an entry in ClinVar:

NM_001421.4(ELF4):c.700C>T (p.Arg234Ter)

Gene: ELF4 (E74 like ETS transcription factor 4; minus strand). Cytogenetic location: Xq26.1.
Variant type: single nucleotide variant.
Coding change: c.700C>T on transcript NM_001421.4 (MANE Select); coding-DNA position 700, C replaced by T.
Protein change: p.Arg234Ter; replaces arginine 234 with a stop codon.
Molecular consequence: nonsense.
Genome position (GRCh38, 1-based): chrX:130,071,149, G>A on the plus strand (C>T on the coding strand, the complement: ELF4 is on the minus strand). VCF-style: chrX-130071149-G-A. GRCh37 (hg19) VCF-style: chrX-129205124-G-A.
Other names: c.700C>T, p.Arg234Ter (NM_001127197.2, NM_001440765.1, NM_001440766.1); short protein forms R234*.
Identifiers: ClinVar variation 4282459 (VCV004282459.1).

ClinVar aggregate classification (germline): Pathogenic (1 of 4 stars; one submission).

gnomAD v4.1: 2 of 1,211,563 alleles (0.00017%); highest among the groups gnomAD compares: Non-Finnish European, 0.00022%; no homozygotes.

Submission:

GeneDx
Classification: Pathogenic. Last evaluated: 2025-04-08. Review status: criteria provided, single submitter. Criteria: GeneDx Variant Classification Process June 2021. Collection method: clinical testing. Allele origin: germline. Affected: yes.
Comment: Published functional studies demonstrate a damaging effect including absent ELF4 protein and loss of transactivation activity (PMID: 36823308); Nonsense variant predicted to result in protein truncation or nonsense mediated decay in a gene or region of a gene for which loss of function is not a well-established mechanism of disease; Not observed at significant frequency in large population cohorts (gnomAD); This variant is associated with the following publications: (PMID: 36823308, 39360366, 38948265)